The following is an entry in ClinVar:

NM_001510.4(GRID2):c.849T>A (p.Ile283=)

Gene: GRID2 (glutamate ionotropic receptor delta type subunit 2; plus strand). Cytogenetic location: 4q22.2.
Variant type: single nucleotide variant.
Coding change: c.849T>A on transcript NM_001510.4 (MANE Select); coding-DNA position 849, T replaced by A.
Protein change: p.Ile283=; no amino-acid change (isoleucine 283 retained).
Molecular consequence: synonymous variant.
Genome position (GRCh38, 1-based): chr4:93,216,797, T>A. VCF-style: chr4-93216797-T-A. GRCh37 (hg19) VCF-style: chr4-94137948-T-A.
Other names: c.564T>A, p.Ile188= (NM_001286838.1); c.849T>A, p.Ile283= (NM_001440459.1).
Identifiers: ClinVar variation 5038708 (VCV005038708.1).
Genomic context (GRCh38, chr4:93,216,797, plus strand): 5'-GGAAATAAACGATGTGGACGTACAGGAACTTGTAAGAAGGTCAATTGGAAGGTTAACGAT[T>A]ATTCGGCAGACATTTCCAGTTCCCCAGAACATAAGTCAGCGGTGTTTCCGTGGCAACCAT-3'
Protein context (NP_001501.2, residues 273-293): LVRRSIGRLT[Ile283=]IRQTFPVPQN

ClinVar aggregate classification (germline): Likely benign (1 of 4 stars; one submission).

Submission:

CeGaT Center for Human Genetics Tuebingen
Classification: Likely benign. Last evaluated: 2026-08-01. Review status: criteria provided, single submitter. Criteria: CeGaT Center For Human Genetics Tuebingen Variant Classification Criteria Version 2. Collection method: clinical testing. Allele origin: germline. Affected: yes. Observed: 1 variant allele.
Comment: GRID2: PM2:Supporting, BP4, BP7